The following is an entry in ClinVar:

NM_001191016.3(CASP12):c.847G>A (p.Gly283Ser)

Gene: CASP12 (caspase 12 (gene/pseudogene); minus strand). Cytogenetic location: 11q22.3.
Variant type: single nucleotide variant.
Coding change: c.847G>A on transcript NM_001191016.3 (MANE Select); coding-DNA position 847, G replaced by A.
Protein change: p.Gly283Ser; replaces glycine 283 with serine.
Molecular consequence: missense variant. On other transcripts: non-coding transcript variant (5).
Genome position (GRCh38, 1-based): chr11:104,887,276, C>T on the plus strand (G>A on the coding strand, the complement: CASP12 is on the minus strand). VCF-style: chr11-104887276-C-T. GRCh37 (hg19) VCF-style: chr11-104758003-C-T.
Other names: short protein forms G283S.
Identifiers: ClinVar variation 3035908 (VCV003035908.2), dbSNP rs146027803, ClinGen allele CA6256333.

ClinVar aggregate classification (germline): Likely benign (0 of 4 stars; one submission).

Conditions:
CASP12-related disorder. Also called: CASP12-related condition.

Allele frequency attached by ClinVar (database versions not stated): gnomAD exomes 0.00010; ExAC 0.00014; 1000 Genomes Project 30x 0.00078; 1000 Genomes Project 0.00080; gnomAD 0.00127; TOPMed 0.00149.

Submission:

PreventionGenetics, part of Exact Sciences
Classification: Likely benign for CASP12-related condition. Last evaluated: 2022-05-31. Review status: no assertion criteria provided. Collection method: clinical testing. Allele origin: germline.
Comment: This variant is classified as likely benign based on ACMG/AMP sequence variant interpretation guidelines (Richards et al. 2015 PMID: 25741868, with internal and published modifications).